The following is an entry in ClinVar:

NM_000257.4(MYH7):c.637A>C (p.Lys213Gln)

Gene: MYH7 (myosin heavy chain 7; minus strand). Cytogenetic location: 14q11.2.
Variant type: single nucleotide variant.
Coding change: c.637A>C on transcript NM_000257.4 (MANE Select); coding-DNA position 637, A replaced by C.
Protein change: p.Lys213Gln; replaces lysine 213 with glutamine.
Molecular consequence: missense variant.
Genome position (GRCh38, 1-based): chr14:23,431,763, T>G on the plus strand (A>C on the coding strand, the complement: MYH7 is on the minus strand). VCF-style: chr14-23431763-T-G. GRCh37 (hg19) VCF-style: chr14-23900972-T-G.
Other names: c.637A>C, p.Lys213Gln (NM_001407004.1); short protein forms K213Q.
Identifiers: ClinVar variation 1915814 (VCV001915814.6), dbSNP rs1555338682, ClinGen allele CA389052372.

ClinVar aggregate classification (germline): Uncertain significance. Review status: criteria provided, multiple submitters, no conflicts (2 of 4 stars). 2 submissions from 2 submitters: Uncertain significance (2). Last evaluated 2024-08-13.

Conditions:
Cardiomyopathy (CMYO). Also called: Cardiomyopathies. Identifiers: Orphanet 167848, MedGen C0878544, MONDO:0004994, HP:0001638. Inheritance: Various modes of inheritance.
Hypertrophic cardiomyopathy. Also called: HYPERTROPHIC MYOCARDIOPATHY. Identifiers: Orphanet 217569, MedGen C0007194, MeSH D002312, MONDO:0005045, HP:0001639.

Submissions (2):

All of Us Research Program, National Institutes of Health
Classification: Uncertain significance for Cardiomyopathy. Last evaluated: 2024-08-13. Review status: criteria provided, single submitter. Criteria: ACMG Guidelines, 2015. Collection method: clinical testing. Allele origin: germline. Inheritance: Autosomal dominant inheritance. Observed: 1 variant allele, 1 heterozygote.
Comment: This missense variant replaces lysine with glutamine at codon 213 of the MYH7 protein. Computational prediction tools indicate that this variant has a neutral impact on protein structure and function. To our knowledge, functional studies have not been reported for this variant. This variant has not been reported in individuals affected with MYH7-related disorders in the literature. This variant has not been identified in the general population by the Genome Aggregation Database (gnomAD). The available evidence is insufficient to determine the role of this variant in disease conclusively. Therefore, this variant is classified as a Variant of Uncertain Significance.

This study involves interpretation of variants in research participants for the purpose of population health screening. Participant phenotype was not available at the time of variant classification. Additional details can be found in publication PMID: 35346344, PMCID: PMC8962531

Labcorp Genetics (formerly Invitae), Labcorp
Classification: Uncertain significance for Hypertrophic cardiomyopathy. Last evaluated: 2022-07-13. Review status: criteria provided, single submitter. Criteria: Invitae Variant Classification Sherloc (09022015). Collection method: clinical testing. Allele origin: germline.
Comment: This sequence change replaces lysine, which is basic and polar, with glutamine, which is neutral and polar, at codon 213 of the MYH7 protein (p.Lys213Gln). This variant is not present in population databases (gnomAD no frequency). This variant has not been reported in the literature in individuals affected with MYH7-related conditions. Algorithms developed to predict the effect of missense changes on protein structure and function are either unavailable or do not agree on the potential impact of this missense change (SIFT: "Deleterious"; PolyPhen-2: "Benign"; Align-GVGD: "Class C0"). This variant is found within a region of MYH7 between codons 181 and 937 that contains the majority of the myosin head domain. Missense variants in this region have been shown to be significantly overrepresented in individuals with hypertrophic cardiomyopathy (PMID: 27532257). In summary, the available evidence is currently insufficient to determine the role of this variant in disease. Therefore, it has been classified as a Variant of Uncertain Significance.

Literature cited by the submitters: PubMed 27532257 (cited by Labcorp Genetics (formerly Invitae), Labcorp).